The following is an entry in ClinVar:

ClinVar aggregate classification (germline): Conflicting classifications of pathogenicity. Review status: criteria provided, conflicting classifications (1 of 4 stars). 5 submissions from 5 submitters: Uncertain significance (1); Likely benign (4). Last evaluated 2025-08-13.

Conditions:
Hereditary cancer-predisposing syndrome. Also called: Tumor predisposition; Hereditary Cancer Syndrome; Neoplastic Syndromes, Hereditary; Hereditary neoplastic syndrome. Identifiers: Orphanet 140162, MedGen C0027672, MeSH D009386, MONDO:0015356.
Familial cancer of breast. Also called: Hereditary breast cancer; hereditary breast carcinoma; BREAST CANCER, FAMILIAL. Identifiers: Orphanet 227535, MedGen C0346153, MONDO:0016419, OMIM 114480. Disease mechanism: loss of function.
Ataxia-telangiectasia syndrome (AT). Also called: Cerebello-oculocutaneous telangiectasia; Immunodeficiency with ataxia telangiectasia; Ataxia-telangiectasia, complementation group D; AT, COMPLEMENTATION GROUP C; Ataxia-telangiectasia, complementation group E; LOUIS-BAR SYNDROME. Identifiers: Orphanet 100, MedGen C0004135, MONDO:0008840, OMIM 208900.

Allele frequency attached by ClinVar (database versions not stated): gnomAD exomes below 0.00001; gnomAD 0.00001; TOPMed 0.00002.
gnomAD v4.1: 4 of 1,612,766 alleles (0.00025%); highest among the groups gnomAD compares: African/African-American, 0.0027%; no homozygotes.

Submissions (5):

Labcorp Genetics (formerly Invitae), Labcorp
Classification: Likely benign for Ataxia-telangiectasia syndrome. Last evaluated: 2025-08-13. Review status: criteria provided, single submitter. Criteria: Invitae Variant Classification Sherloc (09022015). Collection method: clinical testing. Allele origin: germline.

Color Diagnostics, LLC DBA Color Health
Classification: Likely benign for Hereditary cancer-predisposing syndrome. Last evaluated: 2024-06-17. Review status: criteria provided, single submitter. Criteria: ACMG Guidelines, 2015. Collection method: clinical testing. Allele origin: germline.

Myriad Genetics, Inc.
Classification: Likely benign for Familial cancer of breast. Last evaluated: 2024-05-21. Review status: criteria provided, single submitter. Criteria: Myriad Autosomal Dominant, Autosomal Recessive and X-Linked Classification Criteria (2023). Collection method: clinical testing. Allele origin: unknown.
Comment: This variant is considered likely benign. This variant is intronic and is not expected to impact mRNA splicing.

Baylor Genetics
Classification: Uncertain significance for Familial cancer of breast. Last evaluated: 2023-10-06. Review status: criteria provided, single submitter. Criteria: ACMG Guidelines, 2015. Collection method: clinical testing. Allele origin: unknown.

Ambry Genetics
Classification: Likely benign for Hereditary cancer-predisposing syndrome. Last evaluated: 2022-08-31. Review status: criteria provided, single submitter. Criteria: Ambry Variant Classification Scheme 2023. Collection method: clinical testing. Allele origin: germline.

NM_000051.4(ATM):c.4910-5T>C

Gene: ATM (ATM serine/threonine kinase; plus strand). Cytogenetic location: 11q22.3.
Variant type: single nucleotide variant.
Coding change: c.4910-5T>C on transcript NM_000051.4 (MANE Select); 5 bases into the intron before coding-DNA position 4910, T replaced by C.
Molecular consequence: intron variant.
Genome position (GRCh38, 1-based): chr11:108,297,282, T>C. VCF-style: chr11-108297282-T-C. GRCh37 (hg19) VCF-style: chr11-108168009-T-C.
Other names: c.4910-5T>C (NM_001351834.2).
Identifiers: ClinVar variation 453545 (VCV000453545.17), dbSNP rs1309478967, ClinGen allele CA658656218.